The following is an entry in ClinVar:

ClinVar aggregate classification (germline): Uncertain significance (1 of 4 stars; one submission).

Conditions:
Cardiovascular phenotype. Identifiers: MedGen CN230736.
Hereditary cancer-predisposing syndrome. Also called: Neoplastic Syndromes, Hereditary; Tumor predisposition; Hereditary Cancer Syndrome; Hereditary neoplastic syndrome. Identifiers: Orphanet 140162, MedGen C0027672, MeSH D009386, MONDO:0015356.

Submission:

Ambry Genetics
Classification: Uncertain significance for Cardiovascular phenotype; Hereditary cancer-predisposing syndrome. Last evaluated: 2018-02-28. Review status: criteria provided, single submitter. Criteria: Ambry Variant Classification Scheme 2023. Collection method: clinical testing. Allele origin: germline.
Comment: The p.F2330S variant (also known as c.6989T>C), located in coding exon 46 of the NF1 gene, results from a T to C substitution at nucleotide position 6989. The phenylalanine at codon 2330 is replaced by serine, an amino acid with highly dissimilar properties. This amino acid position is highly conserved in available vertebrate species. In addition, the in silico prediction for this alteration is inconclusive. Since supporting evidence is limited at this time, the clinical significance of this alteration remains unclear.

NM_001042492.3(NF1):c.7052T>C (p.Phe2351Ser)

Gene: NF1 (neurofibromin 1; plus strand). Cytogenetic location: 17q11.2.
Variant type: single nucleotide variant.
Coding change: c.7052T>C on transcript NM_001042492.3 (MANE Select); coding-DNA position 7052, T replaced by C.
Protein change: p.Phe2351Ser; replaces phenylalanine 2351 with serine.
Molecular consequence: missense variant.
Genome position (GRCh38, 1-based): chr17:31,340,635, T>C. VCF-style: chr17-31340635-T-C. GRCh37 (hg19) VCF-style: chr17-29667653-T-C.
Other names: c.6989T>C, p.Phe2330Ser (NM_000267.4); short protein forms F2351S, F2330S.
Identifiers: ClinVar variation 1756448 (VCV001756448.2), dbSNP rs2151561990, ClinGen allele CA399015224.
Genomic context (GRCh38, chr17:31,340,635, plus strand): 5'-ATTCAGCAGGTACCGCACTTCTTGAACAAAACCTGCATACTTTAGATAGTCTCCGTATAT[T>C]CAATGACAAGGTAAGCAAACTTTGCCTTGAGGTTCCTAGATTACTCAAATTTAGTACTCT-3'
Protein context (NP_001035957.1, residues 2341-2361): NLHTLDSLRI[Phe2351Ser]NDKSPEEVFM